The following is an entry in ClinVar:

NM_000158.4(GBE1):c.2080A>G (p.Ile694Val)

Gene: GBE1 (1,4-alpha-glucan branching enzyme 1; minus strand). Cytogenetic location: 3p12.2.
Variant type: single nucleotide variant.
Coding change: c.2080A>G on transcript NM_000158.4 (MANE Select); coding-DNA position 2080, A replaced by G.
Protein change: p.Ile694Val; replaces isoleucine 694 with valine.
Molecular consequence: missense variant.
Genome position (GRCh38, 1-based): chr3:81,490,436, T>C on the plus strand (A>G on the coding strand, the complement: GBE1 is on the minus strand). VCF-style: chr3-81490436-T-C. GRCh37 (hg19) VCF-style: chr3-81539587-T-C.
Other names: short protein forms I694V.
Identifiers: ClinVar variation 1162958 (VCV001162958.9), dbSNP rs1257283055, ClinGen allele CA353686772.
Genomic context (GRCh38, chr3:81,490,436, plus strand): 5'-CTGCATCTGGTGGAGCTGAAATCAGGCCTCTTCAATTCGGCAGATCCACATTCTGAAGGA[T>C]GAGGGCCACTCTGCTTGGAATGTACACCTACGTCAAAACAATTATGTCAGTGCAATTGAA-3'
Protein context (NP_000149.4, residues 684-702): LVYIPSRVAL[Ile694Val]LQNVDLPN

ClinVar aggregate classification (germline): Uncertain significance. Review status: criteria provided, multiple submitters, no conflicts (2 of 4 stars). 2 submissions from 2 submitters: Uncertain significance (2). Last evaluated 2022-06-24.

Conditions:
Glycogen storage disease, type IV (GSD4). Also called: AMYLOPECTINOSIS; ANDERSEN DISEASE; BRANCHER DEFICIENCY; CIRRHOSIS, FAMILIAL, WITH DEPOSITION OF ABNORMAL GLYCOGEN; GBE1 DEFICIENCY; GLYCOGEN BRANCHING ENZYME DEFICIENCY. Identifiers: Orphanet 367, MedGen C0017923, MONDO:0009292, OMIM 232500.
Glycogen storage disease IV, classic hepatic. Also called: GSD IV, CLASSIC HEPATIC. Identifiers: MedGen C1856301.

Allele frequency attached by ClinVar (database versions not stated): gnomAD 0.00001; gnomAD exomes 0.00001 and 0.00002; TOPMed 0.00001.
gnomAD v4.1: 36 of 1,613,144 alleles (0.0022%); highest among the groups gnomAD compares: Non-Finnish European, 0.0025%; no homozygotes.

Submissions (2):

Labcorp Genetics (formerly Invitae), Labcorp
Classification: Uncertain significance for Glycogen storage disease, type IV; Glycogen storage disease IV, classic hepatic. Last evaluated: 2022-06-24. Review status: criteria provided, single submitter. Criteria: Invitae Variant Classification Sherloc (09022015). Collection method: clinical testing. Allele origin: germline.
Comment: This sequence change replaces isoleucine, which is neutral and non-polar, with valine, which is neutral and non-polar, at codon 694 of the GBE1 protein (p.Ile694Val). This variant is present in population databases (no rsID available, gnomAD 0.002%). This variant has not been reported in the literature in individuals affected with GBE1-related conditions. ClinVar contains an entry for this variant (Variation ID: 1162958). Advanced modeling of protein sequence and biophysical properties (such as structural, functional, and spatial information, amino acid conservation, physicochemical variation, residue mobility, and thermodynamic stability) performed at Invitae indicates that this missense variant is not expected to disrupt GBE1 protein function. In summary, the available evidence is currently insufficient to determine the role of this variant in disease. Therefore, it has been classified as a Variant of Uncertain Significance.

Mayo Clinic Laboratories, Mayo Clinic
Classification: Uncertain significance. Last evaluated: 2020-07-31. Review status: criteria provided, single submitter. Criteria: ACMG Guidelines, 2015. Collection method: clinical testing. Allele origin: germline. Observed: 1 variant allele.